The following is an entry in ClinVar:

NM_001322830.2(KCNMA1):c.3615-6C>A

Gene: KCNMA1 (potassium calcium-activated channel subfamily M alpha 1; minus strand). Cytogenetic location: 10q22.3.
Variant type: single nucleotide variant.
Coding change: c.3615-6C>A on transcript NM_001322830.2; 6 bases into the intron before coding-DNA position 3615, C replaced by A.
Molecular consequence: intron variant.
Genome position (GRCh38, 1-based): chr10:76,877,899, G>T on the plus strand (C>A on the coding strand, the complement: KCNMA1 is on the minus strand). VCF-style: chr10-76877899-G-T. GRCh37 (hg19) VCF-style: chr10-78637657-G-T.
Other names: c.3363-6C>A (NM_001271518.2); c.3513-9C>A (NM_001322832.2); c.3513-6C>A (NM_001410940.1); c.3600-6C>A (NM_001437423.1); c.3522-9C>A (NM_001322829.2); c.3525-6C>A (NM_001014797.3); c.3606-9C>A (NM_001322835.2); c.3060-9C>A (NM_001322838.2).
Identifiers: ClinVar variation 2578617 (VCV002578617.25), dbSNP rs201763376, ClinGen allele CA5567756.
Genomic context (GRCh38, chr10:76,877,899, plus strand): 5'-TGAATGTTTCTGGGATAGGCATTATCCGGTTCATCTGTAAACCATTTCTTTTCTGCTAAA[G>T]GGCAAAATGGATAGAGAACAAGAAGGAGAAATGAGAAGTTTAATTAGTCCTAGGGTAAAG-3'

ClinVar aggregate classification (germline): Likely benign. Review status: criteria provided, multiple submitters, no conflicts (2 of 4 stars). 3 submissions from 3 submitters: Likely benign (2). 1 of the submissions does not count toward it. Last evaluated 2023-12-04.

Conditions:
KCNMA1-related disorder. Also called: KCNMA1-related disorders; KCNMA1-related condition.

Allele frequency attached by ClinVar (database versions not stated): TOPMed 0.00013; gnomAD 0.00013; gnomAD exomes 0.00013; ExAC 0.00037.
gnomAD v4.1: 225 of 1,606,950 alleles (0.014%); highest among the groups gnomAD compares: Non-Finnish European, 0.0065%; no homozygotes.

Submissions (3):

Blueprint Genetics
Classification: Likely benign. Last evaluated: 2023-12-04. Review status: criteria provided, single submitter. Criteria: ACMG Guidelines, 2015. Collection method: clinical testing. Allele origin: germline.

CeGaT Center for Human Genetics Tuebingen
Classification: Likely benign. Last evaluated: 2023-07-01. Review status: criteria provided, single submitter. Criteria: CeGaT Center For Human Genetics Tuebingen Variant Classification Criteria Version 2. Collection method: clinical testing. Allele origin: germline. Affected: yes. Observed: 1 variant allele.
Comment: KCNMA1: BP4, BS2

PreventionGenetics, part of Exact Sciences
Classification: Likely benign for KCNMA1-related condition. Last evaluated: 2022-02-22. Review status: no assertion criteria provided. Collection method: clinical testing. Allele origin: germline. Not counted in ClinVar's aggregate classification.
Comment: This variant is classified as likely benign based on ACMG/AMP sequence variant interpretation guidelines (Richards et al. 2015 PMID: 25741868, with internal and published modifications).